The following is an entry in ClinVar:

NM_001846.4(COL4A2):c.220C>T (p.Pro74Ser)

Gene: COL4A2 (collagen type IV alpha 2 chain; plus strand). Cytogenetic location: 13q34.
Variant type: single nucleotide variant.
Coding change: c.220C>T on transcript NM_001846.4 (MANE Select); coding-DNA position 220, C replaced by T.
Protein change: p.Pro74Ser; replaces proline 74 with serine.
Molecular consequence: missense variant.
Genome position (GRCh38, 1-based): chr13:110,424,773, C>T. VCF-style: chr13-110424773-C-T. GRCh37 (hg19) VCF-style: chr13-111077120-C-T.
Other names: short protein forms P74S.
Identifiers: ClinVar variation 4744064 (VCV004744064.1).

ClinVar aggregate classification (germline): Uncertain significance (1 of 4 stars; one submission).

Submission:

Labcorp Genetics (formerly Invitae), Labcorp
Classification: Uncertain significance. Last evaluated: 2025-09-02. Review status: criteria provided, single submitter. Criteria: Invitae Variant Classification Sherloc (09022015). Collection method: clinical testing. Allele origin: germline.
Comment: This sequence change replaces proline, which is neutral and non-polar, with serine, which is neutral and polar, at codon 74 of the COL4A2 protein (p.Pro74Ser). This variant is not present in population databases (gnomAD no frequency). This variant has not been reported in the literature in individuals affected with COL4A2-related conditions. Invitae Evidence Modeling of protein sequence and biophysical properties (such as structural, functional, and spatial information, amino acid conservation, physicochemical variation, residue mobility, and thermodynamic stability) indicates that this missense variant is not expected to disrupt COL4A2 protein function with a negative predictive value of 80%. In summary, the available evidence is currently insufficient to determine the role of this variant in disease. Therefore, it has been classified as a Variant of Uncertain Significance.